The following is an entry in ClinVar:

ClinVar aggregate classification (germline): Uncertain significance (1 of 4 stars; one submission).

Conditions:
Hereditary cancer-predisposing syndrome. Also called: Tumor predisposition; Neoplastic Syndromes, Hereditary; Hereditary neoplastic syndrome; Hereditary Cancer Syndrome. Identifiers: Orphanet 140162, MedGen C0027672, MeSH D009386, MONDO:0015356.

Submission:

Ambry Genetics
Classification: Uncertain significance for Hereditary cancer-predisposing syndrome. Last evaluated: 2024-07-28. Review status: criteria provided, single submitter. Criteria: Ambry Variant Classification Scheme 2023. Collection method: clinical testing. Allele origin: germline.
Comment: The p.M1113T variant (also known as c.3338T>C), located in coding exon 16 of the BLM gene, results from a T to C substitution at nucleotide position 3338. The methionine at codon 1113 is replaced by threonine, an amino acid with similar properties. This amino acid position is conserved. In addition, the in silico prediction for this alteration is inconclusive. Based on the available evidence, the clinical significance of this variant remains unclear.

NM_000057.4(BLM):c.3338T>C (p.Met1113Thr)

Gene: BLM (BLM RecQ like helicase; plus strand). Cytogenetic location: 15q26.1.
Variant type: single nucleotide variant.
Coding change: c.3338T>C on transcript NM_000057.4 (MANE Select); coding-DNA position 3338, T replaced by C.
Protein change: p.Met1113Thr; replaces methionine 1113 with threonine.
Molecular consequence: missense variant.
Genome position (GRCh38, 1-based): chr15:90,798,317, T>C. VCF-style: chr15-90798317-T-C. GRCh37 (hg19) VCF-style: chr15-91341547-T-C.
Other names: c.3338T>C, p.Met1113Thr (NM_001287246.2, NM_001287247.2); c.2213T>C, p.Met738Thr (NM_001287248.2); short protein forms M1113T, M738T.
Identifiers: ClinVar variation 3480789 (VCV003480789.1).